The following is an entry in ClinVar:

NM_152743.4(BRAT1):c.2453C>T (p.Ala818Val)

Gene: BRAT1 (BRCA1 associated ATM activator 1; minus strand). Cytogenetic location: 7p22.3.
Variant type: single nucleotide variant.
Coding change: c.2453C>T on transcript NM_152743.4 (MANE Select); coding-DNA position 2453, C replaced by T.
Protein change: p.Ala818Val; replaces alanine 818 with valine.
Molecular consequence: missense variant. On other transcripts: non-coding transcript variant (1).
Genome position (GRCh38, 1-based): chr7:2,538,082, G>A on the plus strand (C>T on the coding strand, the complement: BRAT1 is on the minus strand). VCF-style: chr7-2538082-G-A. GRCh37 (hg19) VCF-style: chr7-2577716-G-A.
Other names: c.2633C>T, p.Ala878Val (NM_001350626.2); c.1928C>T, p.Ala643Val (NM_001350627.2); short protein forms A643V, A818V, A878V.
Identifiers: ClinVar variation 1003373 (VCV001003373.12), dbSNP rs1778817640, ClinGen allele CA366622799.

ClinVar aggregate classification (germline): Uncertain significance. Review status: criteria provided, multiple submitters, no conflicts (2 of 4 stars). 2 submissions from 2 submitters: Uncertain significance (2). Last evaluated 2022-08-09.

Conditions:
Neonatal-onset encephalopathy with rigidity and seizures. Also called: Lethal neonatal spasticity-epileptic encephalopathy syndrome. Identifiers: Orphanet 435845, MedGen C3281029, MONDO:0013784, OMIM 614498.

Allele frequency attached by ClinVar (database versions not stated): gnomAD exomes below 0.00001.
gnomAD v4.1: 1 of 1,570,940 alleles (0.000064%); highest among the groups gnomAD compares: Admixed American, 0.0017%; no homozygotes.

Submissions (2):

Labcorp Genetics (formerly Invitae), Labcorp
Classification: Uncertain significance for Neonatal-onset encephalopathy with rigidity and seizures. Last evaluated: 2022-08-09. Review status: criteria provided, single submitter. Criteria: Invitae Variant Classification Sherloc (09022015). Collection method: clinical testing. Allele origin: germline.
Comment: ClinVar contains an entry for this variant (Variation ID: 1003373). This variant has not been reported in the literature in individuals affected with BRAT1-related conditions. This variant is not present in population databases (gnomAD no frequency). This sequence change replaces alanine, which is neutral and non-polar, with valine, which is neutral and non-polar, at codon 818 of the BRAT1 protein (p.Ala818Val). In summary, the available evidence is currently insufficient to determine the role of this variant in disease. Therefore, it has been classified as a Variant of Uncertain Significance. Algorithms developed to predict the effect of missense changes on protein structure and function are either unavailable or do not agree on the potential impact of this missense change (SIFT: "Deleterious"; PolyPhen-2: "Probably Damaging"; Align-GVGD: "Class C0").

GeneDx
Classification: Uncertain significance. Last evaluated: 2021-08-26. Review status: criteria provided, single submitter. Criteria: GeneDx Variant Classification Process June 2021. Collection method: clinical testing. Allele origin: germline. Affected: yes.
Comment: Not observed in large population cohorts (Lek et al., 2016); In silico analysis, which includes protein predictors and evolutionary conservation, supports that this variant does not alter protein structure/function; Has not been previously published as pathogenic or benign to our knowledge